The following is an entry in ClinVar:

NM_152296.5(ATP1A3):c.385G>A (p.Val129Met)

Gene: ATP1A3 (ATPase Na+/K+ transporting subunit alpha 3; minus strand). Cytogenetic location: 19q13.2.
Variant type: single nucleotide variant.
Coding change: c.385G>A on transcript NM_152296.5 (MANE Select); coding-DNA position 385, G replaced by A.
Protein change: p.Val129Met; replaces valine 129 with methionine.
Molecular consequence: missense variant.
Genome position (GRCh38, 1-based): chr19:41,986,202, C>T on the plus strand (G>A on the coding strand, the complement: ATP1A3 is on the minus strand). VCF-style: chr19-41986202-C-T. GRCh37 (hg19) VCF-style: chr19-42490354-C-T.
Other names: c.418G>A, p.Val140Met (NM_001256213.2); c.424G>A, p.Val142Met (NM_001256214.2); short protein forms V129M, V142M, V140M.
Identifiers: ClinVar variation 267411 (VCV000267411.12), dbSNP rs1555865401, ClinGen allele CA10602480.
Genomic context (GRCh38, chr19:41,986,202, plus strand): 5'-CCATGATCTTGGAGCTCTTGGCCTCCTGGTAGTAGGAGAAGCAGCCAGTGATGATCACCA[C>T]GGCCGCCAGCACGATGCCCAGGTACAGCTGTGGGGAGATGTGGGGATGTTGATCAGGGGC-3'
Protein context (NP_689509.1, residues 119-139): NLYLGIVLAA[Val129Met]VIITGCFSYY

ClinVar aggregate classification (germline): Pathogenic/Likely pathogenic. Review status: criteria provided, multiple submitters, no conflicts (2 of 4 stars). 5 submissions from 5 submitters: Pathogenic (3); Likely pathogenic (1). 1 of the submissions does not count toward it. Last evaluated 2026-05-05.

Conditions:
ATP1A3-related disorder. Also called: ATP1A3-related condition; ATP1A3-related disorders. Identifiers: MedGen CN381097.
Juvenile onset psychosis.
Alternating hemiplegia of childhood 2 (AHC2). Also called: Alternating Hemiplegia of Childhood (AHC). Identifiers: Orphanet 2131, MedGen C3553788, MONDO:0013900, OMIM 614820.
Dystonia 12 (DYT12). Also called: Rapid-Onset Dystonia-Parkinsonism (RDP); DYT-ATP1A3. Identifiers: Orphanet 71517, MedGen C1868681, MONDO:0007496, OMIM 128235.

Submissions (5):

PreventionGenetics, part of Exact Sciences
Classification: Pathogenic for ATP1A3-related condition. Last evaluated: 2026-05-05. Review status: criteria provided, single submitter. Criteria: ACMG Guidelines, 2015. Collection method: clinical testing. Allele origin: germline.
Comment: The ATP1A3 c.424G>A variant is predicted to result in the amino acid substitution p.Val142Met. This variant is referred to as NM_152296:c.385G>A (p.Val129Met) when reported off of a different transcript. This variant has been reported with de novo occurrence in at least one individual with childhood-onset schizophrenia (Smedemark-Margulies et al. 2016. PubMed ID: 27626066; Vezyroglou et al. 2022. PubMed ID: 36192182). This variant has not been reported in a large population database (gnomAD), indicating this variant is rare. This variant is interpreted as pathogenic.

GeneDx
Classification: Pathogenic. Last evaluated: 2025-11-13. Review status: criteria provided, single submitter. Criteria: GeneDx Variant Classification Process June 2021. Collection method: clinical testing. Allele origin: germline. Affected: yes.
Comment: Reported previously as a de novo variant in a patient with neonatal hypotonia, pervasive developmental disorder, episodes of stiffness when sleeping, severe-injurious behaviors, and childhood-onset schizophrenia (PMID: 27626066); Not observed at significant frequency in large population cohorts (gnomAD); In silico analysis suggests that this missense variant does not alter protein structure/function; This variant is associated with the following publications: (PMID: 38685976, Weihua2025[abstract], 36192182, 27626066)

Greenwood Genetic Center Diagnostic Laboratories, Greenwood Genetic Center
Classification: Likely pathogenic for Alternating hemiplegia of childhood 2. Last evaluated: 2022-12-20. Review status: criteria provided, single submitter. Criteria: ACMG Guidelines, 2015. Collection method: clinical testing. Allele origin: germline. Affected: yes.
Comment: PS2, PM2, PP2, PP3

Gene Discovery Core-Manton Center, Boston Children's Hospital
Classification: Pathogenic for Juvenile onset psychosis. Last evaluated: 2016-04-11. Review status: criteria provided, single submitter. Criteria: Submitter's publication. Collection method: research. Allele origin: de novo. Inheritance: Autosomal dominant inheritance. Affected: yes. Observed: 1 variant allele.
Comment: de novo

GeneReviews
No classification provided. Condition: Dystonia 12. Review status: no classification provided. Collection method: literature only. Allele origin: germline. Not counted in ClinVar's aggregate classification.

Literature cited by the submitters: NCBI Bookshelf NBK1115 (cited by GeneReviews).